The following is an entry in ClinVar:

NM_001267550.2(TTN):c.56387_56388del (p.Ser18796fs)

Genes: TTN (titin; minus strand), TTN-AS1 (TTN antisense RNA 1; plus strand). Cytogenetic location: 2q31.2.
Variant type: Deletion.
Coding change: c.56387_56388del on transcript NM_001267550.2 (MANE Select); coding-DNA positions 56387 to 56388, 2 bases deleted (CT; older notation c.56387_56388delCT).
Protein change: p.Ser18796fs; shifts the reading frame from serine 18796.
Molecular consequence: frameshift variant.
Genome position (GRCh38, 1-based): chr2:178,599,405-178,599,406, AG deleted on the plus strand (CT on the coding strand, the reverse complement: TTN is on the minus strand); deleting any 2 consecutive bases within chr2:178,599,405-178,599,407 gives the same sequence; the c. name uses the placement nearest the transcript's 3' end. VCF-style (leftmost placement, unchanged base first): chr2-178599404-CAG-C. GRCh37 (hg19) VCF-style: chr2-179464131-CAG-C.
Other names: c.51464_51465del, p.Ser17155fs (NM_001256850.1); c.29192_29193del, p.Ser9731fs (NM_003319.4); c.48683_48684del, p.Ser16228fs (NM_133378.4); c.29567_29568del, p.Ser9856fs (NM_133432.3); c.29768_29769del, p.Ser9923fs (NM_133437.4); short protein forms S16228fs, S18796fs, S9731fs, S9923fs, S17155fs, S9856fs.
Identifiers: ClinVar variation 2952668 (VCV002952668.3), dbSNP rs2469891712, ClinGen allele CA2740096085.

ClinVar aggregate classification (germline): Likely pathogenic (1 of 4 stars; one submission).

Conditions:
Autosomal recessive limb-girdle muscular dystrophy type 2J (LGMDR10). Also called: Limb-girdle muscular dystrophy, type 2J; MUSCULAR DYSTROPHY, LIMB-GIRDLE, AUTOSOMAL RECESSIVE 10. Identifiers: Orphanet 140922, MedGen C1837342, MONDO:0012127, OMIM 608807.
Dilated cardiomyopathy 1G (CMD1G). Identifiers: Orphanet 154, MedGen C1858763, MONDO:0011400, OMIM 604145.

Submission:

Labcorp Genetics (formerly Invitae), Labcorp
Classification: Likely pathogenic for Dilated cardiomyopathy 1G; Autosomal recessive limb-girdle muscular dystrophy type 2J. Last evaluated: 2023-10-08. Review status: criteria provided, single submitter. Criteria: Invitae Variant Classification Sherloc (09022015). Collection method: clinical testing. Allele origin: germline.
Comment: This sequence change creates a premature translational stop signal (p.Ser18796Cysfs*14) in the TTN gene. While this is not anticipated to result in nonsense mediated decay, it is expected to create a truncated TTN protein. This variant is not present in population databases (gnomAD no frequency). This variant has not been reported in the literature in individuals affected with TTN-related conditions. This variant is located in the A band of TTN (PMID: 25589632). Truncating variants in this region are significantly overrepresented in patients affected with dilated cardiomyopathy (PMID: 25589632). Truncating variants in this region have also been reported in individuals affected with autosomal recessive centronuclear myopathy (PMID: 23975875). In summary, the currently available evidence indicates that the variant is pathogenic, but additional data are needed to prove that conclusively. Therefore, this variant has been classified as Likely Pathogenic.

Literature cited by the submitters: PubMed 25589632; PubMed 23975875.